The following is an entry in ClinVar:

ClinVar aggregate classification (germline): Uncertain significance. Review status: criteria provided, single submitter (1 of 4 stars). 2 submissions from 2 submitters: Uncertain significance (1). 1 of the submissions does not count toward it. Last evaluated 2025-06-07.

Conditions:
UBA7-related disorder. Also called: UBA7-related condition.

Allele frequency attached by ClinVar (database versions not stated): ExAC 0.00004.
gnomAD v4.1: 101 of 1,614,096 alleles (0.0063%); highest among the groups gnomAD compares: Middle Eastern, 0.033%; no homozygotes.

Submissions (2):

Ambry Genetics
Classification: Uncertain significance. Last evaluated: 2025-06-07. Review status: criteria provided, single submitter. Criteria: Ambry Variant Classification Scheme 2023. Collection method: clinical testing. Allele origin: germline.

PreventionGenetics, part of Exact Sciences
Classification: Likely benign for UBA7-related condition. Last evaluated: 2023-04-04. Review status: no assertion criteria provided. Collection method: clinical testing. Allele origin: germline. Not counted in ClinVar's aggregate classification.
Comment: This variant is classified as likely benign based on ACMG/AMP sequence variant interpretation guidelines (Richards et al. 2015 PMID: 25741868, with internal and published modifications).

NM_003335.3(UBA7):c.688G>A (p.Val230Met)

Gene: UBA7 (ubiquitin like modifier activating enzyme 7; minus strand). Cytogenetic location: 3p21.31.
Variant type: single nucleotide variant.
Coding change: c.688G>A on transcript NM_003335.3 (MANE Select); coding-DNA position 688, G replaced by A.
Protein change: p.Val230Met; replaces valine 230 with methionine.
Molecular consequence: missense variant.
Genome position (GRCh38, 1-based): chr3:49,812,414, C>T on the plus strand (G>A on the coding strand, the complement: UBA7 is on the minus strand). VCF-style: chr3-49812414-C-T. GRCh37 (hg19) VCF-style: chr3-49849847-C-T.
Other names: short protein forms V230M.
Identifiers: ClinVar variation 2521944 (VCV002521944.5), dbSNP rs554429106, ClinGen allele CA2407274.